The following is an entry in ClinVar:

ClinVar aggregate classification (germline): Uncertain significance. Review status: criteria provided, multiple submitters, no conflicts (2 of 4 stars). 2 submissions from 2 submitters: Uncertain significance (2). Last evaluated 2025-01-05.

Conditions:
Hereditary cancer-predisposing syndrome. Also called: Neoplastic Syndromes, Hereditary; Tumor predisposition; Hereditary neoplastic syndrome; Hereditary Cancer Syndrome. Identifiers: Orphanet 140162, MedGen C0027672, MeSH D009386, MONDO:0015356.

Submissions (2):

Labcorp Genetics (formerly Invitae), Labcorp
Classification: Uncertain significance. Last evaluated: 2025-01-05. Review status: criteria provided, single submitter. Criteria: Invitae Variant Classification Sherloc (09022015). Collection method: clinical testing. Allele origin: germline.
Comment: This sequence change replaces histidine, which is basic and polar, with leucine, which is neutral and non-polar, at codon 708 of the POLE protein (p.His708Leu). This variant is not present in population databases (gnomAD no frequency). This variant has not been reported in the literature in individuals affected with POLE-related conditions. ClinVar contains an entry for this variant (Variation ID: 3225408). Invitae Evidence Modeling of protein sequence and biophysical properties (such as structural, functional, and spatial information, amino acid conservation, physicochemical variation, residue mobility, and thermodynamic stability) indicates that this missense variant is not expected to disrupt POLE protein function with a negative predictive value of 80%. In summary, the available evidence is currently insufficient to determine the role of this variant in disease. Therefore, it has been classified as a Variant of Uncertain Significance.

Ambry Genetics
Classification: Uncertain significance for Hereditary cancer-predisposing syndrome. Last evaluated: 2024-01-11. Review status: criteria provided, single submitter. Criteria: Ambry Variant Classification Scheme 2023. Collection method: clinical testing. Allele origin: germline.
Comment: The p.H708L variant (also known as c.2123A>T), located in coding exon 19 of the POLE gene, results from an A to T substitution at nucleotide position 2123. The histidine at codon 708 is replaced by leucine, an amino acid with similar properties. This amino acid position is conserved. In addition, the in silico prediction for this alteration is inconclusive. Since supporting evidence is limited at this time, the clinical significance of this alteration remains unclear.

NM_006231.4(POLE):c.2123A>T (p.His708Leu)

Gene: POLE (DNA polymerase epsilon, catalytic subunit; minus strand). Cytogenetic location: 12q24.33.
Variant type: single nucleotide variant.
Coding change: c.2123A>T on transcript NM_006231.4 (MANE Select); coding-DNA position 2123, A replaced by T.
Protein change: p.His708Leu; replaces histidine 708 with leucine.
Molecular consequence: missense variant.
Genome position (GRCh38, 1-based): chr12:132,668,406, T>A on the plus strand (A>T on the coding strand, the complement: POLE is on the minus strand). VCF-style: chr12-132668406-T-A. GRCh37 (hg19) VCF-style: chr12-133244992-T-A.
Other names: short protein forms H708L.
Identifiers: ClinVar variation 3225408 (VCV003225408.3), dbSNP rs2042844365, ClinGen allele CA387353821.